The following is an entry in ClinVar:

NM_001243133.2(NLRP3):c.1907A>G (p.Gln636Arg)

Gene: NLRP3 (NLR family pyrin domain containing 3; plus strand). Cytogenetic location: 1q44.
Variant type: single nucleotide variant.
Coding change: c.1907A>G on transcript NM_001243133.2 (MANE Select); coding-DNA position 1907, A replaced by G.
Protein change: p.Gln636Arg; replaces glutamine 636 with arginine.
Molecular consequence: missense variant.
Genome position (GRCh38, 1-based): chr1:247,425,356, A>G. VCF-style: chr1-247425356-A-G. GRCh37 (hg19) VCF-style: chr1-247588658-A-G.
Other names: c.1907A>G, p.Gln636Arg (NM_001079821.3, NM_001127461.3, NM_001127462.3 and 1 more transcripts); c.1913A>G, p.Gln638Arg (NM_004895.5); short protein forms Q636R, Q638R.
Identifiers: ClinVar variation 1507929 (VCV001507929.8), dbSNP rs1426037593, ClinGen allele CA345558092.

ClinVar aggregate classification (germline): Uncertain significance (1 of 4 stars; one submission).

Conditions:
Cryopyrin associated periodic syndrome (CAPS). Identifiers: Orphanet 208650, MedGen C2316212, MONDO:0016168.

Allele frequency attached by ClinVar (database versions not stated): gnomAD exomes below 0.00001 and 0.00001.
gnomAD v4.1: 4 of 1,614,206 alleles (0.00025%); highest among the groups gnomAD compares: South Asian, 0.0044%; no homozygotes.

Submission:

Labcorp Genetics (formerly Invitae), Labcorp
Classification: Uncertain significance for Cryopyrin associated periodic syndrome. Last evaluated: 2022-07-19. Review status: criteria provided, single submitter. Criteria: Invitae Variant Classification Sherloc (09022015). Collection method: clinical testing. Allele origin: germline.
Comment: In summary, the available evidence is currently insufficient to determine the role of this variant in disease. Therefore, it has been classified as a Variant of Uncertain Significance. Algorithms developed to predict the effect of missense changes on protein structure and function are either unavailable or do not agree on the potential impact of this missense change (SIFT: "Deleterious"; PolyPhen-2: "Probably Damaging"; Align-GVGD: "Class C0"). ClinVar contains an entry for this variant (Variation ID: 1507929). This variant has not been reported in the literature in individuals affected with NLRP3-related conditions. This variant is present in population databases (no rsID available, gnomAD 0.003%). This sequence change replaces glutamine, which is neutral and polar, with arginine, which is basic and polar, at codon 638 of the NLRP3 protein (p.Gln638Arg).